The following is an entry in ClinVar:

NM_000038.6(APC):c.1004T>C (p.Leu335Pro)

Gene: APC (APC regulator of Wnt signaling pathway; plus strand). Cytogenetic location: 5q22.2.
Variant type: single nucleotide variant.
Coding change: c.1004T>C on transcript NM_000038.6 (MANE Select); coding-DNA position 1004, T replaced by C.
Protein change: p.Leu335Pro; replaces leucine 335 with proline.
Molecular consequence: missense variant. On other transcripts: intron variant (4).
Genome position (GRCh38, 1-based): chr5:112,819,036, T>C. VCF-style: chr5-112819036-T-C. GRCh37 (hg19) VCF-style: chr5-112154733-T-C.
Other names: c.1004T>C, p.Leu335Pro (NM_001127510.3, NM_001354895.2, NM_001354896.2); c.950T>C, p.Leu317Pro (NM_001127511.3); c.1034T>C, p.Leu345Pro (NM_001354897.2); c.929T>C, p.Leu310Pro (NM_001354898.2); c.920T>C, p.Leu307Pro (NM_001354899.2); c.827T>C, p.Leu276Pro (NM_001354900.2, NM_001354901.2); c.155T>C, p.Leu52Pro (NM_001354906.2); c.964-233T>C (NM_001354902.2); and 3 more; short protein forms L276P, L307P, L310P, L317P, L335P, L345P, L52P.
Identifiers: ClinVar variation 1060660 (VCV001060660.10), dbSNP rs2149779658, ClinGen allele CA16023507.
Genomic context (GRCh38, chr5:112,819,036, plus strand): 5'-TGTATTCATTGTTGTCAATGCTTGGTACTCATGATAAGGATGATATGTCGCGAACTTTGC[T>C]AGCTATGTCTAGCTCCCAAGACAGCTGTATATCCATGCGACAGTCTGGATGTCTTCCTCT-3'
Protein context (NP_000029.2, residues 325-345): HDKDDMSRTL[Leu335Pro]AMSSSQDSCI

ClinVar aggregate classification (germline): Uncertain significance (1 of 4 stars; one submission).

Conditions:
Familial adenomatous polyposis 1 (FAP1). Also called: FAMILIAL ADENOMATOUS POLYPOSIS 1, ATTENUATED; POLYPOSIS, ADENOMATOUS INTESTINAL. Identifiers: MedGen C2713442, MONDO:0021056, OMIM 175100. Disease mechanism: loss of function.

Submission:

Labcorp Genetics (formerly Invitae), Labcorp
Classification: Uncertain significance for Familial adenomatous polyposis 1. Last evaluated: 2020-12-10. Review status: criteria provided, single submitter. Criteria: Invitae Variant Classification Sherloc (09022015). Collection method: clinical testing. Allele origin: germline.
Comment: This sequence change replaces leucine with proline at codon 335 of the APC protein (p.Leu335Pro). The leucine residue is highly conserved and there is a moderate physicochemical difference between leucine and proline. This variant is not present in population databases (ExAC no frequency). This variant has not been reported in the literature in individuals with APC-related conditions. Algorithms developed to predict the effect of missense changes on protein structure and function (SIFT, PolyPhen-2, Align-GVGD) all suggest that this variant is likely to be disruptive, but these predictions have not been confirmed by published functional studies and their clinical significance is uncertain. Algorithms developed to predict the effect of sequence changes on RNA splicing suggest that this variant may create or strengthen a splice site, but this prediction has not been confirmed by published transcriptional studies. In summary, the available evidence is currently insufficient to determine the role of this variant in disease. Therefore, it has been classified as a Variant of Uncertain Significance.